The following is an entry in ClinVar:

ClinVar aggregate classification (germline): Uncertain significance (1 of 4 stars; one submission).

Submission:

CeGaT Center for Human Genetics Tuebingen
Classification: Uncertain significance. Last evaluated: 2024-02-01. Review status: criteria provided, single submitter. Criteria: CeGaT Center For Human Genetics Tuebingen Variant Classification Criteria Version 2. Collection method: clinical testing. Allele origin: germline. Affected: yes. Observed: 1 variant allele.
Comment: THSD1: PM2, BP4

NM_018676.4(THSD1):c.91G>A (p.Glu31Lys)

Gene: THSD1 (thrombospondin type 1 domain containing 1; minus strand). Cytogenetic location: 13q14.3.
Variant type: single nucleotide variant.
Coding change: c.91G>A on transcript NM_018676.4 (MANE Select); coding-DNA position 91, G replaced by A.
Protein change: p.Glu31Lys; replaces glutamic acid 31 with lysine.
Molecular consequence: missense variant.
Genome position (GRCh38, 1-based): chr13:52,398,162, C>T on the plus strand (G>A on the coding strand, the complement: THSD1 is on the minus strand). VCF-style: chr13-52398162-C-T. GRCh37 (hg19) VCF-style: chr13-52972297-C-T.
Other names: c.91G>A, p.Glu31Lys (NM_199263.3); short protein forms E31K.
Identifiers: ClinVar variation 3027099 (VCV003027099.22), dbSNP rs2547605051, ClinGen allele CA388041429.